The following is an entry in ClinVar:

ClinVar aggregate classification (germline): Conflicting classifications of pathogenicity. Review status: criteria provided, conflicting classifications (1 of 4 stars). 5 submissions from 5 submitters: Uncertain significance (1); Likely benign (4). Last evaluated 2026-01-12.

Conditions:
Hereditary cancer-predisposing syndrome. Also called: Tumor predisposition; Neoplastic Syndromes, Hereditary; Hereditary Cancer Syndrome; Hereditary neoplastic syndrome. Identifiers: Orphanet 140162, MedGen C0027672, MeSH D009386, MONDO:0015356.
Peutz-Jeghers syndrome (PJS). Also called: POLYPOSIS, HAMARTOMATOUS INTESTINAL; POLYPS-AND-SPOTS SYNDROME; Peutz-Jeghers polyposis; Periorificial lentiginosis syndrome. Identifiers: Orphanet 2869, MedGen C0031269, MeSH D010580, MONDO:0008280, OMIM 175200.

Allele frequency attached by ClinVar (database versions not stated): gnomAD exomes below 0.00001; gnomAD 0.00001 and 0.00002; TOPMed 0.00001.
gnomAD v4.1: 8 of 1,610,394 alleles (0.0005%); highest among the groups gnomAD compares: South Asian, 0.0044%; no homozygotes.

Submissions (5):

Labcorp Genetics (formerly Invitae), Labcorp
Classification: Likely benign for Peutz-Jeghers syndrome. Last evaluated: 2026-01-12. Review status: criteria provided, single submitter. Criteria: Invitae Variant Classification Sherloc (09022015). Collection method: clinical testing. Allele origin: germline.

Myriad Genetics, Inc.
Classification: Likely benign for Peutz-Jeghers syndrome. Last evaluated: 2025-03-25. Review status: criteria provided, single submitter. Criteria: Myriad Autosomal Dominant, Autosomal Recessive and X-Linked Classification Criteria (2023). Collection method: clinical testing. Allele origin: unknown.
Comment: This variant is considered likely benign. This variant is intronic and is not expected to impact mRNA splicing.

All of Us Research Program, National Institutes of Health
Classification: Likely benign for Peutz-Jeghers syndrome. Last evaluated: 2024-01-08. Review status: criteria provided, single submitter. Criteria: ACMG Guidelines, 2015. Collection method: clinical testing. Allele origin: germline. Inheritance: Autosomal dominant inheritance. Observed: 1 variant allele, 1 heterozygote.
Comment: This study involves interpretation of variants in research participants for the purpose of population health screening. Participant phenotype was not available at the time of variant classification. Additional details can be found in publication PMID: 35346344, PMCID: PMC8962531

Sema4
Classification: Uncertain significance for Hereditary cancer-predisposing syndrome. Last evaluated: 2021-11-18. Review status: criteria provided, single submitter. Criteria: Sema4 Curation Guidelines. Collection method: curation. Allele origin: germline.
Comment: The STK11 c.291-13C>T variant has not been reported in the literature to our knowledge. It was observed in 1/30600 chromosomes of the South Asian subpopulation in the large and broad cohorts of the Genome Aggregation Database (PMID: 32461654). The variant has been reported in ClinVar (Variation ID: 630011). In silico tools suggest the variant may not have an impact on splicing, though these predictions have not been confirmed by functional studies. The evidence is insufficient to meet ACMG/AMP criteria for classifying the variant as benign or pathogenic. Thus, the clinical significance of this variant is currently uncertain.

Color Diagnostics, LLC DBA Color Health
Classification: Likely benign for Hereditary cancer-predisposing syndrome. Last evaluated: 2018-04-25. Review status: criteria provided, single submitter. Criteria: ACMG Guidelines, 2015. Collection method: clinical testing. Allele origin: germline.

NM_000455.5(STK11):c.291-13C>T

Gene: STK11 (serine/threonine kinase 11; plus strand). Cytogenetic location: 19p13.3.
Variant type: single nucleotide variant.
Coding change: c.291-13C>T on transcript NM_000455.5 (MANE Select); 13 bases into the intron before coding-DNA position 291, C replaced by T.
Molecular consequence: intron variant.
Genome position (GRCh38, 1-based): chr19:1,218,404, C>T. VCF-style: chr19-1218404-C-T. GRCh37 (hg19) VCF-style: chr19-1218403-C-T.
Identifiers: ClinVar variation 630011 (VCV000630011.10), dbSNP rs1332978515, ClinGen allele CA631031680.
Genomic context (GRCh38, chr19:1,218,404, plus strand): 5'-GGCCGACTCCAGGGATCCAGGCCATCATCCTGACGTTGGGTCGGCTGATACACCCCTGTC[C>T]TCTCTGTCCCAGGGAAATTCAACTACTGAGGAGGTTACGGCACAAAAATGTCATCCAGCT-3'